The following is an entry in ClinVar:

ClinVar aggregate classification (germline): Uncertain significance. Review status: criteria provided, multiple submitters, no conflicts (2 of 4 stars). 2 submissions from 2 submitters: Uncertain significance (2). Last evaluated 2024-11-17.

Conditions:
Autosomal dominant limb-girdle muscular dystrophy type 1G (LGMDD3). Also called: MUSCULAR DYSTROPHY, LIMB-GIRDLE, AUTOSOMAL DOMINANT 3; Limb-girdle muscular dystrophy, type 1G. Identifiers: Orphanet 55596, MedGen C1836765, MONDO:0012193, OMIM 609115.

Allele frequency attached by ClinVar (database versions not stated): ExAC 0.00033.
gnomAD v4.1: 3 of 1,381,202 alleles (0.00022%); highest among the groups gnomAD compares: African/African-American, 0.0046%; no homozygotes.

Submissions (2):

Labcorp Genetics (formerly Invitae), Labcorp
Classification: Uncertain significance for Autosomal dominant limb-girdle muscular dystrophy type 1G. Last evaluated: 2024-11-17. Review status: criteria provided, single submitter. Criteria: Invitae Variant Classification Sherloc (09022015). Collection method: clinical testing. Allele origin: germline.
Comment: This sequence change replaces serine, which is neutral and polar, with tyrosine, which is neutral and polar, at codon 24 of the HNRNPDL protein (p.Ser24Tyr). The frequency data for this variant in the population databases is considered unreliable, as metrics indicate poor data quality at this position in the gnomAD database. This variant has not been reported in the literature in individuals affected with HNRNPDL-related conditions. ClinVar contains an entry for this variant (Variation ID: 2535391). An algorithm developed to predict the effect of missense changes on protein structure and function (PolyPhen-2) suggests that this variant is likely to be tolerated. In summary, the available evidence is currently insufficient to determine the role of this variant in disease. Therefore, it has been classified as a Variant of Uncertain Significance.

Ambry Genetics
Classification: Uncertain significance. Last evaluated: 2023-04-07. Review status: criteria provided, single submitter. Criteria: Ambry Variant Classification Scheme 2023. Collection method: clinical testing. Allele origin: germline.

NM_031372.4(HNRNPDL):c.71C>A (p.Ser24Tyr)

Gene: HNRNPDL (heterogeneous nuclear ribonucleoprotein D like; minus strand). Cytogenetic location: 4q21.22.
Variant type: single nucleotide variant.
Coding change: c.71C>A on transcript NM_031372.4 (MANE Select); coding-DNA position 71, C replaced by A.
Protein change: p.Ser24Tyr; replaces serine 24 with tyrosine.
Molecular consequence: missense variant. On other transcripts: non-coding transcript variant (1).
Genome position (GRCh38, 1-based): chr4:82,429,620, G>T on the plus strand (C>A on the coding strand, the complement: HNRNPDL is on the minus strand). VCF-style: chr4-82429620-G-T. GRCh37 (hg19) VCF-style: chr4-83350773-G-T.
Other names: c.71C>A, p.Ser24Tyr (NM_001207000.1); short protein forms S24Y.
Identifiers: ClinVar variation 2535391 (VCV002535391.4), dbSNP rs773982449, ClinGen allele CA2985152.